The following is an entry in ClinVar:

ClinVar aggregate classification (germline): Uncertain significance (1 of 4 stars; one submission).

Conditions:
Gastrointestinal stromal tumor. Also called: Gastrointestinal stromal tumor, somatic; Gastrointestinal stroma tumor. Identifiers: Orphanet 44890, MedGen C0238198, MeSH D046152, MONDO:0011719, OMIM 606764, HP:0100723.

Submission:

Labcorp Genetics (formerly Invitae), Labcorp
Classification: Uncertain significance for Gastrointestinal stromal tumor. Last evaluated: 2023-10-22. Review status: criteria provided, single submitter. Criteria: Invitae Variant Classification Sherloc (09022015). Collection method: clinical testing. Allele origin: germline.
Comment: This sequence change creates a premature translational stop signal (p.Gly898Alafs*2) in the PDGFRA gene. It is expected to result in an absent or disrupted protein product. However, the current clinical and genetic evidence is not sufficient to establish whether loss-of-function variants in PDGFRA cause disease. This variant is not present in population databases (gnomAD no frequency). This variant has not been reported in the literature in individuals affected with PDGFRA-related conditions. Experimental studies and prediction algorithms are not available or were not evaluated, and the functional significance of this variant is currently unknown. In summary, the available evidence is currently insufficient to determine the role of this variant in disease. Therefore, it has been classified as a Variant of Uncertain Significance.

NM_006206.6(PDGFRA):c.2691del (p.Gly898fs)

Gene: PDGFRA (platelet derived growth factor receptor alpha; plus strand). Cytogenetic location: 4q12.
Variant type: Deletion.
Coding change: c.2691del on transcript NM_006206.6 (MANE Select); coding-DNA position 2691, one base deleted (C; older notation c.2691delC).
Protein change: p.Gly898fs; shifts the reading frame from glycine 898.
Molecular consequence: frameshift variant.
Genome position (GRCh38, 1-based): chr4:54,288,815, C deleted; the last of 4 consecutive C bases (chr4:54,288,812-54,288,815); deleting any one gives the same sequence. VCF-style (leftmost placement, unchanged base first): chr4-54288811-AC-A. GRCh37 (hg19) VCF-style: chr4-55154978-AC-A.
Other names: c.2766del, p.Gly923fs (NM_001347828.2); c.2691del, p.Gly898fs (NM_001347829.2); c.2730del, p.Gly911fs (NM_001347830.2); short protein forms G898fs, G923fs, G911fs.
Identifiers: ClinVar variation 2770544 (VCV002770544.3), dbSNP rs2475559166, ClinGen allele CA645526438.